The following is an entry in ClinVar:

ClinVar aggregate classification (germline): Uncertain significance. Review status: criteria provided, multiple submitters, no conflicts (2 of 4 stars). 2 submissions from 2 submitters: Uncertain significance (2). Last evaluated 2026-01-27.

Allele frequency attached by ClinVar (database versions not stated): gnomAD exomes below 0.00001; TOPMed below 0.00001; ExAC 0.00001; gnomAD 0.00001; ESP Exome Variant Server 0.00008.
gnomAD v4.1: 5 of 1,559,558 alleles (0.00032%); highest among the groups gnomAD compares: African/African-American, 0.0014%; no homozygotes.

Submissions (2):

Labcorp Genetics (formerly Invitae), Labcorp
Classification: Uncertain significance. Last evaluated: 2026-01-27. Review status: criteria provided, single submitter. Criteria: Invitae Variant Classification Sherloc (09022015). Collection method: clinical testing. Allele origin: germline.
Comment: This sequence change falls in intron 1 of the POLG2 gene. It does not directly change the encoded amino acid sequence of the POLG2 protein. It affects a nucleotide within the consensus splice site. This variant is not present in population databases (gnomAD no frequency). This variant has not been reported in the literature in individuals affected with POLG2-related conditions. ClinVar contains an entry for this variant (Variation ID: 1957908). Variants that disrupt the consensus splice site are a relatively common cause of aberrant splicing (PMID: 17576681, 9536098). Algorithms developed to predict the effect of sequence changes on RNA splicing suggest that this variant may disrupt the consensus splice site. In summary, the available evidence is currently insufficient to determine the role of this variant in disease. Therefore, it has been classified as a Variant of Uncertain Significance.

Blueprint Genetics
Classification: Uncertain significance. Last evaluated: 2023-10-20. Review status: criteria provided, single submitter. Criteria: ACMG Guidelines, 2015. Collection method: clinical testing. Allele origin: germline.

Literature cited by the submitters: PubMed 17576681 (cited by Labcorp Genetics (formerly Invitae), Labcorp); PubMed 9536098 (cited by Labcorp Genetics (formerly Invitae), Labcorp).

NM_007215.4(POLG2):c.562+3A>G

Genes: MILR1 (mast cell immunoglobulin like receptor 1; plus strand), POLG2 (DNA polymerase gamma 2, accessory subunit; minus strand). Cytogenetic location: 17q23.3.
Variant type: single nucleotide variant.
Coding change: c.562+3A>G on transcript NM_007215.4 (MANE Select); 3 bases into the intron after coding-DNA position 562, A replaced by G.
Molecular consequence: intron variant.
Genome position (GRCh38, 1-based): chr17:64,496,404, T>C on the plus strand (A>G on the coding strand, the complement: POLG2 is on the minus strand). VCF-style: chr17-64496404-T-C. GRCh37 (hg19) VCF-style: chr17-62492522-T-C.
Identifiers: ClinVar variation 1957908 (VCV001957908.6), dbSNP rs376608956, ClinGen allele CA8713003.
Genomic context (GRCh38, chr17:64,496,404, plus strand): 5'-CAGCAAGACTGCCTCGCCTTTCCACCCGACACCTGTTTTGAAGCATGAAATCGTGAAGCA[T>C]ACCGTGAAGAAGGTTCTCCCGTAGTTTCCCAGAAGTTTTTAATACGTTCTCAAGAAATGC-3'